The following is an entry in ClinVar:

ClinVar aggregate classification (germline): Conflicting classifications of pathogenicity. Review status: criteria provided, conflicting classifications (1 of 4 stars). 2 submissions from 2 submitters: Uncertain significance (1); Likely benign (1). Last evaluated 2026-06-05.

Allele frequency attached by ClinVar (database versions not stated): gnomAD exomes below 0.00001 and 0.00002; TOPMed below 0.00001; gnomAD 0.00002; ExAC 0.00002.
gnomAD v4.1: 9 of 1,613,886 alleles (0.00056%); highest among the groups gnomAD compares: East Asian, 0.011%; no homozygotes.

Submissions (2):

Women's Health and Genetics/Laboratory Corporation of America, LabCorp
Classification: Uncertain significance. Last evaluated: 2026-06-05. Review status: criteria provided, single submitter. Criteria: LabCorp Variant Classification Summary - May 2015. Collection method: clinical testing. Allele origin: germline.
Comment: Variant summary: KCNH1 c.2921C>T (p.Ser974Leu) results in a non-conservative amino acid change in the encoded protein sequence. Algorithms developed to predict the effect of missense changes on protein structure and function all suggest that this variant is likely to be disruptive. The variant allele was found at a frequency of 1.6e-05 in 251434 control chromosomes. The available data on variant occurrences in the general population are insufficient to allow any conclusion about variant significance. To our knowledge, no occurrence of c.2921C>T in individuals affected with KCNH1-related conditions and no experimental evidence demonstrating its impact on protein function have been reported. ClinVar contains an entry for this variant (Variation ID: 1660773). Based on the evidence outlined above, the variant was classified as uncertain significance.

Labcorp Genetics (formerly Invitae), Labcorp
Classification: Likely benign. Last evaluated: 2023-09-29. Review status: criteria provided, single submitter. Criteria: Invitae Variant Classification Sherloc (09022015). Collection method: clinical testing. Allele origin: germline.

NM_172362.3(KCNH1):c.2921C>T (p.Ser974Leu)

Gene: KCNH1 (potassium voltage-gated channel subfamily H member 1; minus strand). Cytogenetic location: 1q32.2.
Variant type: single nucleotide variant.
Coding change: c.2921C>T on transcript NM_172362.3 (MANE Select); coding-DNA position 2921, C replaced by T.
Protein change: p.Ser974Leu; replaces serine 974 with leucine.
Molecular consequence: missense variant.
Genome position (GRCh38, 1-based): chr1:210,683,330, G>A on the plus strand (C>T on the coding strand, the complement: KCNH1 is on the minus strand). VCF-style: chr1-210683330-G-A. GRCh37 (hg19) VCF-style: chr1-210856672-G-A.
Other names: c.2840C>T, p.Ser947Leu (NM_002238.4); short protein forms S947L, S974L.
Identifiers: ClinVar variation 1660773 (VCV001660773.9), dbSNP rs753939827, ClinGen allele CA1379563.